The following is an entry in ClinVar:

ClinVar aggregate classification (germline): Uncertain significance. Review status: criteria provided, multiple submitters, no conflicts (2 of 4 stars). 2 submissions from 2 submitters: Uncertain significance (2). Last evaluated 2024-10-02.

Allele frequency attached by ClinVar (database versions not stated): TOPMed 0.00002; gnomAD exomes 0.00006 and 0.00007; ExAC 0.00007; gnomAD 0.00010.
gnomAD v4.1: 113 of 1,614,098 alleles (0.007%); highest among the groups gnomAD compares: South Asian, 0.0099%; no homozygotes.

Submissions (2):

Blueprint Genetics
Classification: Uncertain significance. Last evaluated: 2024-10-02. Review status: criteria provided, single submitter. Criteria: ACMG Guidelines, 2015. Collection method: clinical testing. Allele origin: germline.

Labcorp Genetics (formerly Invitae), Labcorp
Classification: Uncertain significance. Last evaluated: 2022-08-06. Review status: criteria provided, single submitter. Criteria: Invitae Variant Classification Sherloc (09022015). Collection method: clinical testing. Allele origin: germline.
Comment: This sequence change replaces threonine, which is neutral and polar, with methionine, which is neutral and non-polar, at codon 482 of the RUSC2 protein (p.Thr482Met). This variant is present in population databases (rs777574098, gnomAD 0.05%). This variant has not been reported in the literature in individuals affected with RUSC2-related conditions. ClinVar contains an entry for this variant (Variation ID: 1429925). Algorithms developed to predict the effect of missense changes on protein structure and function are either unavailable or do not agree on the potential impact of this missense change (SIFT: "Deleterious"; PolyPhen-2: "Possibly Damaging"; Align-GVGD: "Class C0"). In summary, the available evidence is currently insufficient to determine the role of this variant in disease. Therefore, it has been classified as a Variant of Uncertain Significance.

NM_014806.5(RUSC2):c.1445C>T (p.Thr482Met)

Gene: RUSC2 (RUN and SH3 domain containing 2; plus strand). Cytogenetic location: 9p13.3.
Variant type: single nucleotide variant.
Coding change: c.1445C>T on transcript NM_014806.5 (MANE Select); coding-DNA position 1445, C replaced by T.
Protein change: p.Thr482Met; replaces threonine 482 with methionine.
Molecular consequence: missense variant. On other transcripts: non-coding transcript variant (1), intron variant (1).
Genome position (GRCh38, 1-based): chr9:35,547,966, C>T. VCF-style: chr9-35547966-C-T. GRCh37 (hg19) VCF-style: chr9-35547963-C-T.
Other names: c.1445C>T, p.Thr482Met (NM_001135999.2); c.-620-7094C>T (NM_001330740.2); short protein forms T482M.
Identifiers: ClinVar variation 1429925 (VCV001429925.5), dbSNP rs777574098, ClinGen allele CA5043640.